The following is an entry in ClinVar:

ClinVar aggregate classification (germline): Likely benign (1 of 4 stars; one submission).

Conditions:
Breast-ovarian cancer, familial, susceptibility to, 2 (BROVCA2). Also called: BRCA2 Hereditary Breast and Ovarian Cancer. Identifiers: Orphanet 145, MedGen C2675520, MONDO:0012933, OMIM 612555. Disease mechanism: loss of function.

gnomAD v4.1: 1 of 1,607,714 alleles (0.000062%); highest among the groups gnomAD compares: South Asian, 0.0011%; no homozygotes.

Submission:

Cancer Bioinformatics and Tumour Evolution Laboratory, Monash University
Classification: Likely benign for Breast-ovarian cancer, familial, susceptibility to, 2. Last evaluated: 2026-05-01. Review status: criteria provided, single submitter. Criteria: ClinGen BRCA1 and BRCA2 Guidelines, 2024. Collection method: curation. Allele origin: germline. Inheritance: Autosomal dominant inheritance.
Comment: Missense variant outside of a functional domain with no splice impact. BRCA1 and BRCA2 VCEP guidelines recommend application of BP1_Strong (PMID: 39142283)

NM_000059.4(BRCA2):c.3166C>A (p.Gln1056Lys)

Gene: BRCA2 (BRCA2 DNA repair associated; plus strand). Cytogenetic location: 13q13.1.
Variant type: single nucleotide variant.
Coding change: c.3166C>A on transcript NM_000059.4 (MANE Select); coding-DNA position 3166, C replaced by A.
Protein change: p.Gln1056Lys; replaces glutamine 1056 with lysine.
Molecular consequence: missense variant. On other transcripts: non-coding transcript variant (1), intron variant (2).
Genome position (GRCh38, 1-based): chr13:32,337,521, C>A. VCF-style: chr13-32337521-C-A. GRCh37 (hg19) VCF-style: chr13-32911658-C-A.
Other names: c.3166C>A, p.Gln1056Lys (NM_001406719.1, NM_001406720.1, NM_001432077.1); c.1909+4134C>A (NM_001406721.1); c.424+6491C>A (NM_001406722.1); short protein forms Q1056K.
Identifiers: ClinVar variation 4856465 (VCV004856465.1).